The following is an entry in ClinVar:

ClinVar aggregate classification (germline): Uncertain significance. Review status: criteria provided, multiple submitters, no conflicts (2 of 4 stars). 3 submissions from 3 submitters: Uncertain significance (3). Last evaluated 2025-02-19.

Conditions:
Rhabdoid tumor predisposition syndrome 2 (RTPS2). Identifiers: Orphanet 231108, Orphanet 69077, MedGen C2750074, MONDO:0013224, OMIM 613325.
Intellectual disability, autosomal dominant 16 (CSS4). Also called: COFFIN-SIRIS SYNDROME 4. Identifiers: Orphanet 1465, MedGen C3553249, MONDO:0013821, OMIM 614609.
Hereditary cancer-predisposing syndrome. Also called: Neoplastic Syndromes, Hereditary; Tumor predisposition; Hereditary neoplastic syndrome; Hereditary Cancer Syndrome. Identifiers: Orphanet 140162, MedGen C0027672, MeSH D009386, MONDO:0015356.

Allele frequency attached by ClinVar (database versions not stated): gnomAD exomes below 0.00001.
gnomAD v4.1: 1 of 1,612,358 alleles (0.000062%); highest among the groups gnomAD compares: Admixed American, 0.0017%; no homozygotes.

Submissions (3):

Labcorp Genetics (formerly Invitae), Labcorp
Classification: Uncertain significance for Rhabdoid tumor predisposition syndrome 2. Last evaluated: 2025-02-19. Review status: criteria provided, single submitter. Criteria: Invitae Variant Classification Sherloc (09022015). Collection method: clinical testing. Allele origin: germline.
Comment: This sequence change replaces threonine, which is neutral and polar, with isoleucine, which is neutral and non-polar, at codon 1457 of the SMARCA4 protein (p.Thr1457Ile). This variant is present in population databases (no rsID available, gnomAD 0.003%). This variant has not been reported in the literature in individuals affected with SMARCA4-related conditions. ClinVar contains an entry for this variant (Variation ID: 567355). An algorithm developed to predict the effect of missense changes on protein structure and function (PolyPhen-2) suggests that this variant is likely to be tolerated. In summary, the available evidence is currently insufficient to determine the role of this variant in disease. Therefore, it has been classified as a Variant of Uncertain Significance.

Ambry Genetics
Classification: Uncertain significance for Hereditary cancer-predisposing syndrome. Last evaluated: 2023-06-29. Review status: criteria provided, single submitter. Criteria: Ambry Variant Classification Scheme 2023. Collection method: clinical testing. Allele origin: germline.
Comment: The p.T1457I variant (also known as c.4370C>T), located in coding exon 30 of the SMARCA4 gene, results from a C to T substitution at nucleotide position 4370. The threonine at codon 1457 is replaced by isoleucine, an amino acid with similar properties. This amino acid position is not well conserved in available vertebrate species. In addition, this alteration is predicted to be tolerated by in silico analysis. Missense and in-frame variants in SMARCA4 are known to cause neurodevelopmental disorders; however, such associations with rhabdoid tumor predisposition syndrome including small cell carcinoma of the ovary-hypercalcemic type (SCCOHT) are exceedingly rare (Kosho T et al. Am J Med Genet C Semin Med Genet. 2014 Sep;166C(3):262-75; Jelinic P et al. Nat Genet. 2014 May;46(5):424-6). Based on the supporting evidence, the association of this alteration with Coffin-Siris syndrome is unknown; however, the association of this alteration with rhabdoid tumor predisposition syndrome is unlikely.

Genome-Nilou Lab
Classification: Uncertain significance for Intellectual disability, autosomal dominant 16. Last evaluated: 2021-07-15. Review status: criteria provided, single submitter. Criteria: ACMG Guidelines, 2015. Collection method: clinical testing. Allele origin: germline. Affected: no.

NM_003072.5(SMARCA4):c.4274C>T (p.Thr1425Ile)

Gene: SMARCA4 (SWI/SNF related BAF chromatin remodeling complex subunit ATPase 4; plus strand). Cytogenetic location: 19p13.2.
Variant type: single nucleotide variant.
Coding change: c.4274C>T on transcript NM_003072.5 (MANE Select); coding-DNA position 4274, C replaced by T.
Protein change: p.Thr1425Ile; replaces threonine 1425 with isoleucine.
Molecular consequence: missense variant. On other transcripts: non-coding transcript variant (1).
Genome position (GRCh38, 1-based): chr19:11,041,410, C>T. VCF-style: chr19-11041410-C-T. GRCh37 (hg19) VCF-style: chr19-11152086-C-T.
Other names: c.4175C>T, p.Thr1392Ile (NM_001128848.2, NM_001374457.1, NM_001128847.4); c.4370C>T, p.Thr1457Ile (NM_001128849.3, NM_001387283.1); c.4274C>T, p.Thr1425Ile (NM_001128844.3); c.4184C>T, p.Thr1395Ile (NM_001128845.2, NM_001128846.2); short protein forms T1457I, T1395I, T1425I, T1392I.
Identifiers: ClinVar variation 567355 (VCV000567355.15), dbSNP rs1340211412, ClinGen allele CA404073475.